The following is an entry in ClinVar:

NM_015164.4(PLEKHM2):c.589_597del (p.Phe197_Ser199del)

Gene: PLEKHM2 (pleckstrin homology and RUN domain containing M2; plus strand). Cytogenetic location: 1p36.21.
Variant type: Deletion.
Coding change: c.589_597del on transcript NM_015164.4 (MANE Select); coding-DNA positions 589 to 597, 9 bases deleted (TTCAACTCC; older notation c.589_597delTTCAACTCC).
Protein change: p.Phe197_Ser199del.
Genome position (GRCh38, 1-based): chr1:15,719,857-15,719,865, TTCAACTCC deleted. VCF-style (leftmost placement, unchanged base first): chr1-15719856-TTTCAACTCC-T. GRCh37 (hg19) VCF-style: chr1-16046351-TTTCAACTCC-T.
Other names: c.589_597del, p.Phe197_Ser199del (NM_001410755.1).
Identifiers: ClinVar variation 4812384 (VCV004812384.1).

ClinVar aggregate classification (germline): Uncertain significance (1 of 4 stars; one submission).

Submission:

Labcorp Genetics (formerly Invitae), Labcorp
Classification: Uncertain significance. Last evaluated: 2025-07-20. Review status: criteria provided, single submitter. Criteria: Invitae Variant Classification Sherloc (09022015). Collection method: clinical testing. Allele origin: germline.
Comment: This variant, c.589_597del, results in the deletion of 3 amino acid(s) of the PLEKHM2 protein (p.Phe197_Ser199del), but otherwise preserves the integrity of the reading frame. This variant is present in population databases (rs775873668, gnomAD 0.05%). This variant has not been reported in the literature in individuals affected with PLEKHM2-related conditions. Experimental studies and prediction algorithms are not available or were not evaluated, and the functional significance of this variant is currently unknown. In summary, the available evidence is currently insufficient to determine the role of this variant in disease. Therefore, it has been classified as a Variant of Uncertain Significance.